The following is an entry in ClinVar:

ClinVar aggregate classification (germline): Conflicting classifications of pathogenicity. Review status: criteria provided, conflicting classifications (1 of 4 stars). 2 submissions from 2 submitters: Uncertain significance (1); Likely benign (1). Last evaluated 2018-07-13.

Conditions:
Long QT syndrome (LQTS). Identifiers: MedGen C0023976, MeSH D008133, MONDO:0002442. Disease mechanism: loss of function. Inheritance: Various modes of inheritance.
Amyloidosis. Also called: Amyloid deposition. Identifiers: Orphanet 69, MedGen C0002726, MONDO:0019065, HP:0011034.

Submissions (2):

Center for Advanced Laboratory Medicine, UC San Diego Health, University of California San Diego
Classification: Likely benign for Amyloidosis. Last evaluated: 2018-07-13. Review status: criteria provided, single submitter. Criteria: ACMG Guidelines, 2015. Collection method: clinical testing. Allele origin: germline. Affected: yes. Observed: 1 variant allele.

Labcorp Genetics (formerly Invitae), Labcorp
Classification: Uncertain significance for Long QT syndrome. Last evaluated: 2018-05-23. Review status: criteria provided, single submitter. Criteria: Invitae Variant Classification Sherloc (09022015). Collection method: clinical testing. Allele origin: germline.
Comment: Algorithms developed to predict the effect of missense changes on protein structure and function (SIFT, PolyPhen-2, Align-GVGD) all suggest that this variant is likely to be tolerated, but these predictions have not been confirmed by published functional studies and their clinical significance is uncertain. This variant has not been reported in the literature in individuals with CACNA1C-related disease. This variant is not present in population databases (ExAC no frequency). This sequence change replaces proline with threonine at codon 1446 of the CACNA1C protein (p.Pro1446Thr). The proline residue is moderately conserved and there is a small physicochemical difference between proline and threonine. In summary, the available evidence is currently insufficient to determine the role of this variant in disease. Therefore, it has been classified as a Variant of Uncertain Significance.

NM_000719.7(CACNA1C):c.4336C>A (p.Pro1446Thr)

Gene: CACNA1C (calcium voltage-gated channel subunit alpha1 C; plus strand). Cytogenetic location: 12p13.33.
Variant type: single nucleotide variant.
Coding change: c.4336C>A on transcript NM_000719.7 (MANE Select); coding-DNA position 4336, C replaced by A.
Protein change: p.Pro1446Thr; replaces proline 1446 with threonine.
Molecular consequence: missense variant.
Genome position (GRCh38, 1-based): chr12:2,664,928, C>A. VCF-style: chr12-2664928-C-A. GRCh37 (hg19) VCF-style: chr12-2774094-C-A.
Other names: c.4480C>A, p.Pro1494Thr (NM_001129827.2, NM_199460.4); c.4402C>A, p.Pro1468Thr (NM_001129829.2); c.4336C>A, p.Pro1446Thr (NM_001129830.3, NM_001129833.2, NM_001129834.2 and 7 more transcripts); c.4420C>A, p.Pro1474Thr (NM_001129831.2); c.4396C>A, p.Pro1466Thr (NM_001129832.2); c.4387C>A, p.Pro1463Thr (NM_001129836.2); c.4303C>A, p.Pro1435Thr (NM_001129837.2, NM_001129838.2, NM_001129846.2 and 1 more transcripts); c.4297C>A, p.Pro1433Thr (NM_001129839.2); and 1 more; short protein forms P1446T, P1494T, P1443T, P1433T, P1463T, P1466T, P1474T, P1468T.
Identifiers: ClinVar variation 568670 (VCV000568670.10), dbSNP rs758143691, ClinGen allele CA383375932.